The following is an entry in ClinVar:

NC_000010.10:g.(55849824_55892634)_(55943354_55944893)del

Gene: PCDH15 (protocadherin related 15; minus strand). Cytogenetic location: 10q21.1.
Variant type: Deletion.
Identifiers: ClinVar variation 1683386 (VCV001683386.1).

ClinVar aggregate classification (germline): Likely pathogenic (1 of 4 stars; one submission).

Conditions:
Usher syndrome type 1F (USH1F). Also called: USHER SYNDROME, TYPE IF. Identifiers: Orphanet 231169, Orphanet 886, MedGen C1865885, MONDO:0011186, OMIM 602083.

Submission:

Women's Health and Genetics/Laboratory Corporation of America, LabCorp
Classification: Likely pathogenic for Usher syndrome type 1F. Last evaluated: 2022-04-12. Review status: criteria provided, single submitter. Criteria: LabCorp Variant Classification Summary - May 2015. Collection method: clinical testing. Allele origin: germline.
Comment: Variant summary: The variant identified by MLPA or other technology involves the deletion of exons 13-15 in the PCDH15 gene. A presumed nomenclature of c.(1440+1_1441-1)_(1917+1_1918-1)del has been designated for the purposes of this classification. Although exact breakpoints of this deletion are not known, it is expected to result in a large in-frame deletion change in the PCDH15 gene, a known mechanism of disease. The variant was absent in 21644 control chromosomes. To our knowledge, no occurrence of c.(1440+1_1441-1)_(1917+1_1918-1)del in individuals affected with Usher Syndrome Type 1F and no experimental evidence demonstrating its impact on protein function have been reported. No clinical diagnostic laboratories have submitted clinical-significance assessments for this variant to ClinVar after 2014. Based on the evidence outlined above, the variant was classified as likely pathogenic.